The following is an entry in ClinVar:

NM_007186.6(CEP250):c.970A>G (p.Met324Val)

Genes: CEP250 (centrosomal protein 250; plus strand), CEP250-AS1 (CEP250 antisense RNA 1; minus strand). Cytogenetic location: 20q11.22.
Variant type: single nucleotide variant.
Coding change: c.970A>G on transcript NM_007186.6 (MANE Select); coding-DNA position 970, A replaced by G.
Protein change: p.Met324Val; replaces methionine 324 with valine.
Molecular consequence: missense variant. On other transcripts: 5 prime UTR variant (1).
Genome position (GRCh38, 1-based): chr20:35,472,071, A>G. VCF-style: chr20-35472071-A-G. GRCh37 (hg19) VCF-style: chr20-34059896-A-G.
Other names: c.-930A>G (NM_001318219.1); short protein forms M324V.
Identifiers: ClinVar variation 1516010 (VCV001516010.8), dbSNP rs2063037391, ClinGen allele CA408758867.
Genomic context (GRCh38, chr20:35,472,071, plus strand): 5'-AGAGTTTGGCTCTGAGGCTCTGTTCTATTCCCTGTTCAGGAGACAAATCACACAGAATTA[A>G]TGGAACATGAAGCATCTCTTAGTAGGAATGCGCAAGAGGAGAAGTTGTCTTTACAGCAGG-3'
Protein context (NP_009117.2, residues 314-334): EILETNHTEL[Met324Val]EHEASLSRNA

ClinVar aggregate classification (germline): Uncertain significance (1 of 4 stars; one submission).

Allele frequency attached by ClinVar (database versions not stated): TOPMed 0.00001.

Submission:

Labcorp Genetics (formerly Invitae), Labcorp
Classification: Uncertain significance. Last evaluated: 2023-07-17. Review status: criteria provided, single submitter. Criteria: Invitae Variant Classification Sherloc (09022015). Collection method: clinical testing. Allele origin: germline.
Comment: In summary, the available evidence is currently insufficient to determine the role of this variant in disease. Therefore, it has been classified as a Variant of Uncertain Significance. Algorithms developed to predict the effect of missense changes on protein structure and function output the following: SIFT: "Not Available"; PolyPhen-2: "Benign"; Align-GVGD: "Not Available". The valine amino acid residue is found in multiple mammalian species, which suggests that this missense change does not adversely affect protein function. ClinVar contains an entry for this variant (Variation ID: 1516010). This variant has not been reported in the literature in individuals affected with CEP250-related conditions. This variant is not present in population databases (gnomAD no frequency). This sequence change replaces methionine, which is neutral and non-polar, with valine, which is neutral and non-polar, at codon 324 of the CEP250 protein (p.Met324Val).